The following is an entry in ClinVar:

NM_173598.6(KSR2):c.162A>G (p.Lys54=)

Gene: KSR2 (kinase suppressor of ras 2; minus strand). Cytogenetic location: 12q24.23.
Variant type: single nucleotide variant.
Coding change: c.162A>G on transcript NM_173598.6 (MANE Select); coding-DNA position 162, A replaced by G.
Protein change: p.Lys54=; no amino-acid change (lysine 54 retained).
Molecular consequence: synonymous variant.
Genome position (GRCh38, 1-based): chr12:117,968,094, T>C on the plus strand (A>G on the coding strand, the complement: KSR2 is on the minus strand). VCF-style: chr12-117968094-T-C. GRCh37 (hg19) VCF-style: chr12-118405899-T-C.
Identifiers: ClinVar variation 3037038 (VCV003037038.2), dbSNP rs1463938080, ClinGen allele CA482048246.

ClinVar aggregate classification (germline): Likely benign (0 of 4 stars; one submission).

Conditions:
KSR2-related disorder. Also called: KSR2-related condition.

Allele frequency attached by ClinVar (database versions not stated): gnomAD exomes below 0.00001; TOPMed below 0.00001.
gnomAD v4.1: 4 of 1,606,792 alleles (0.00025%); highest among the groups gnomAD compares: Admixed American, 0.0034%; no homozygotes.

Submission:

PreventionGenetics, part of Exact Sciences
Classification: Likely benign for KSR2-related condition. Last evaluated: 2022-03-02. Review status: no assertion criteria provided. Collection method: clinical testing. Allele origin: germline.
Comment: This variant is classified as likely benign based on ACMG/AMP sequence variant interpretation guidelines (Richards et al. 2015 PMID: 25741868, with internal and published modifications).